The following is an entry in ClinVar:

ClinVar aggregate classification (germline): Uncertain significance (1 of 4 stars; one submission).

gnomAD v4.1: 1 of 1,613,920 alleles (0.000062%); highest among the groups gnomAD compares: Admixed American, 0.0017%; no homozygotes.

Submission:

Labcorp Genetics (formerly Invitae), Labcorp
Classification: Uncertain significance. Last evaluated: 2024-06-13. Review status: criteria provided, single submitter. Criteria: Invitae Variant Classification Sherloc (09022015). Collection method: clinical testing. Allele origin: germline.
Comment: This sequence change replaces isoleucine, which is neutral and non-polar, with methionine, which is neutral and non-polar, at codon 101 of the PRPF3 protein (p.Ile101Met). This variant is present in population databases (no rsID available, gnomAD 0.003%). This variant has not been reported in the literature in individuals affected with PRPF3-related conditions. An algorithm developed to predict the effect of missense changes on protein structure and function (PolyPhen-2) suggests that this variant is likely to be tolerated. In summary, the available evidence is currently insufficient to determine the role of this variant in disease. Therefore, it has been classified as a Variant of Uncertain Significance.

NM_004698.4(PRPF3):c.303C>G (p.Ile101Met)

Gene: PRPF3 (pre-mRNA processing factor 3; plus strand). Cytogenetic location: 1q21.2.
Variant type: single nucleotide variant.
Coding change: c.303C>G on transcript NM_004698.4 (MANE Select); coding-DNA position 303, C replaced by G.
Protein change: p.Ile101Met; replaces isoleucine 101 with methionine.
Molecular consequence: missense variant. On other transcripts: 5 prime UTR variant (1), non-coding transcript variant (4).
Genome position (GRCh38, 1-based): chr1:150,328,346, C>G. VCF-style: chr1-150328346-C-G. GRCh37 (hg19) VCF-style: chr1-150300805-C-G.
Other names: c.-103C>G (NM_001350529.1); short protein forms I101M.
Identifiers: ClinVar variation 3618677 (VCV003618677.2).